The following is an entry in ClinVar:

ClinVar aggregate classification (germline): Likely benign. Review status: criteria provided, single submitter (1 of 4 stars). 2 submissions from 2 submitters: Likely benign (1). 1 of the submissions does not count toward it. Last evaluated 2026-01-07.

Conditions:
WDR4-related disorder. Also called: WDR4-related condition; WDR4-Related Disorders.

Allele frequency attached by ClinVar (database versions not stated): ExAC 0.00040; 1000 Genomes Project 0.00080; 1000 Genomes Project 30x 0.00094; TOPMed 0.00133; gnomAD 0.00141.
gnomAD v4.1: 358 of 1,563,528 alleles (0.023%); highest among the groups gnomAD compares: Admixed American, 0.66%; 4 homozygotes.

Submissions (2):

Labcorp Genetics (formerly Invitae), Labcorp
Classification: Likely benign. Last evaluated: 2026-01-07. Review status: criteria provided, single submitter. Criteria: Invitae Variant Classification Sherloc (09022015). Collection method: clinical testing. Allele origin: germline.

PreventionGenetics, part of Exact Sciences
Classification: Likely benign for WDR4-related condition. Last evaluated: 2023-04-11. Review status: no assertion criteria provided. Collection method: clinical testing. Allele origin: germline. Not counted in ClinVar's aggregate classification.
Comment: This variant is classified as likely benign based on ACMG/AMP sequence variant interpretation guidelines (Richards et al. 2015 PMID: 25741868, with internal and published modifications).

NM_018669.6(WDR4):c.596C>T (p.Thr199Ile)

Gene: WDR4 (WDR4 tRNA N7-guanosine methyltransferase non-catalytic subunit; minus strand). Cytogenetic location: 21q22.3.
Variant type: single nucleotide variant.
Coding change: c.596C>T on transcript NM_018669.6 (MANE Select); coding-DNA position 596, C replaced by T.
Protein change: p.Thr199Ile; replaces threonine 199 with isoleucine.
Molecular consequence: missense variant. On other transcripts: non-coding transcript variant (1).
Genome position (GRCh38, 1-based): chr21:42,859,693, G>A on the plus strand (C>T on the coding strand, the complement: WDR4 is on the minus strand). VCF-style: chr21-42859693-G-A. GRCh37 (hg19) VCF-style: chr21-44279803-G-A.
Other names: c.596C>T (NM_033661.4); c.596C>T, p.Thr199Ile (NM_001260474.2, NM_033661.5); c.158C>T, p.Thr53Ile (NM_001260475.2, NM_001260476.2, NM_001260477.2 and 1 more transcripts); short protein forms T199I, T53I.
Identifiers: ClinVar variation 2055144 (VCV002055144.6), dbSNP rs181591586, ClinGen allele CA10046021.